The following is an entry in ClinVar:

NM_020831.6(MRTFA):c.482_500dup (p.Asp168fs)

Gene: MRTFA (myocardin related transcription factor A; minus strand). Cytogenetic location: 22q13.1.
Variant type: Duplication.
Coding change: c.482_500dup on transcript NM_020831.6 (MANE Select); coding-DNA positions 482 to 500, 19 bases duplicated (TGAAGAGAGCCAGACTAGC).
Protein change: p.Asp168fs; shifts the reading frame from aspartic acid 168.
Molecular consequence: frameshift variant.
Genome position (GRCh38, 1-based): chr22:40,429,707-40,429,725, GCTAGTCTGGCTCTCTTCA duplicated on the plus strand (TGAAGAGAGCCAGACTAGC on the coding strand, the reverse complement: MRTFA is on the minus strand); duplicating any 19 consecutive bases within chr22:40,429,707-40,429,728 gives the same sequence; the c. name uses the placement nearest the transcript's 3' end. VCF-style (leftmost placement, unchanged base first): chr22-40429706-G-GGCTAGTCTGGCTCTCTTCA. GRCh37 (hg19) VCF-style: chr22-40825710-G-GGCTAGTCTGGCTCTCTTCA.
Other names: c.182_200dup, p.Asp68fs (NM_001282660.2); c.482_500dup, p.Asp168fs (NM_001282661.3, NM_001282662.3); c.287_305dup, p.Asp103fs (NM_001318139.2); short protein forms D68fs, D168fs, D103fs.
Identifiers: ClinVar variation 2024737 (VCV002024737.4), dbSNP rs2517845768, ClinGen allele CA2580099792.
Genomic context (GRCh38, chr22:40,429,706, plus strand): 5'-GTTCTTCTCCACCAGCTCCATGGGGCCAGGCCTCTGTGCAATCTTCTCATTGAGGTCATC[G>GGCTAGTCTGGCTCTCTTCA]GCTAGTCTGGCTCTCTTCAGCTTCAGCTGCTTGGCCTGGAGGGATGGCTCAGCCGAGGTC-3'

ClinVar aggregate classification (germline): Uncertain significance (1 of 4 stars; one submission).

Submission:

Labcorp Genetics (formerly Invitae), Labcorp
Classification: Uncertain significance. Last evaluated: 2022-08-19. Review status: criteria provided, single submitter. Criteria: Invitae Variant Classification Sherloc (09022015). Collection method: clinical testing. Allele origin: germline.
Comment: In summary, the available evidence is currently insufficient to determine the role of this variant in disease. Therefore, it has been classified as a Variant of Uncertain Significance. This variant has not been reported in the literature in individuals affected with MKL1-related conditions. This variant is not present in population databases (gnomAD no frequency). This sequence change creates a premature translational stop signal (p.Asp68Glufs*8) in the MKL1 gene. It is expected to result in an absent or disrupted protein product. However, the current clinical and genetic evidence is not sufficient to establish whether loss-of-function variants in MKL1 cause disease.